The following is an entry in ClinVar:

ClinVar aggregate classification (germline): Uncertain significance (1 of 4 stars; one submission).

Submission:

GeneDx
Classification: Uncertain significance. Last evaluated: 2024-05-17. Review status: criteria provided, single submitter. Criteria: GeneDx Variant Classification Process June 2021. Collection method: clinical testing. Allele origin: germline. Affected: yes.
Comment: Not observed at significant frequency in large population cohorts (gnomAD); In silico analysis indicates that this missense variant does not alter protein structure/function; Has not been previously published as pathogenic or benign to our knowledge

NM_014975.3(MAST1):c.753C>A (p.Asn251Lys)

Genes: MAST1 (microtubule associated serine/threonine kinase 1; plus strand), LOC117125587 (CRISPRi-FlowFISH-validated KLF1 and PRDX2 regulatory element; plus strand). Cytogenetic location: 19p13.13.
Variant type: single nucleotide variant.
Coding change: c.753C>A on transcript NM_014975.3 (MANE Select); coding-DNA position 753, C replaced by A.
Protein change: p.Asn251Lys; replaces asparagine 251 with lysine.
Molecular consequence: missense variant.
Genome position (GRCh38, 1-based): chr19:12,848,036, C>A. VCF-style: chr19-12848036-C-A. GRCh37 (hg19) VCF-style: chr19-12958850-C-A.
Other names: short protein forms N251K.
Identifiers: ClinVar variation 3377973 (VCV003377973.1).